The following is an entry in ClinVar:

ClinVar aggregate classification (germline): Uncertain significance (1 of 4 stars; one submission).

Submission:

GeneDx
Classification: Uncertain significance. Last evaluated: 2024-10-14. Review status: criteria provided, single submitter. Criteria: GeneDx Variant Classification Process June 2021. Collection method: clinical testing. Allele origin: germline. Affected: yes.
Comment: Not observed at significant frequency in large population cohorts (gnomAD); In silico analysis indicates that this missense variant does not alter protein structure/function; Has not been previously published as pathogenic or benign to our knowledge

NM_001270.4(CHD1):c.3823A>T (p.Met1275Leu)

Gene: CHD1 (chromodomain helicase DNA binding protein 1; minus strand). Cytogenetic location: 5q15.
Variant type: single nucleotide variant.
Coding change: c.3823A>T on transcript NM_001270.4 (MANE Select); coding-DNA position 3823, A replaced by T.
Protein change: p.Met1275Leu; replaces methionine 1275 with leucine.
Molecular consequence: missense variant. On other transcripts: non-coding transcript variant (2).
Genome position (GRCh38, 1-based): chr5:98,872,089, T>A on the plus strand (A>T on the coding strand, the complement: CHD1 is on the minus strand). VCF-style: chr5-98872089-T-A. GRCh37 (hg19) VCF-style: chr5-98207793-T-A.
Other names: c.3823A>T, p.Met1275Leu (NM_001364113.3, NM_001376194.2); short protein forms M1275L.
Identifiers: ClinVar variation 3781079 (VCV003781079.1).